The following is an entry in ClinVar:

ClinVar aggregate classification (germline): Uncertain significance (1 of 4 stars; one submission).

Conditions:
Cystic fibrosis (CF). Also called: MUCOVISCIDOSIS. Identifiers: Orphanet 586, MedGen C0010674, MONDO:0009061, OMIM 219700. Disease mechanism: loss of function.

Submission:

Ambry Genetics
Classification: Uncertain significance for Cystic fibrosis. Last evaluated: 2023-03-17. Review status: criteria provided, single submitter. Criteria: Ambry Variant Classification Scheme 2023. Collection method: clinical testing. Allele origin: germline.
Comment: The p.A209V variant (also known as c.626C>T), located in coding exon 6 of the CFTR gene, results from a C to T substitution at nucleotide position 626. The alanine at codon 209 is replaced by valine, an amino acid with similar properties. This amino acid position is conserved. In addition, this alteration is predicted to be tolerated by in silico analysis. Since supporting evidence is limited at this time, the clinical significance of this alteration remains unclear.

NM_000492.4(CFTR):c.626C>T (p.Ala209Val)

Gene: CFTR (CF transmembrane conductance regulator; plus strand). Cytogenetic location: 7q31.2.
Variant type: single nucleotide variant.
Coding change: c.626C>T on transcript NM_000492.4 (MANE Select); coding-DNA position 626, C replaced by T.
Protein change: p.Ala209Val; replaces alanine 209 with valine.
Molecular consequence: missense variant.
Genome position (GRCh38, 1-based): chr7:117,535,294, C>T. VCF-style: chr7-117535294-C-T. GRCh37 (hg19) VCF-style: chr7-117175348-C-T.
Other names: short protein forms A209V.
Identifiers: ClinVar variation 2567857 (VCV002567857.2), dbSNP rs2485016920, ClinGen allele CA368976870.